The following is an entry in ClinVar:

NM_147127.5(EVC2):c.1384A>G (p.Thr462Ala)

Genes: EVC2 (EvC ciliary complex subunit 2; minus strand), LOC126806961 (BRD4-independent group 4 enhancer GRCh37_chr4:5641443-5642642; plus strand). Cytogenetic location: 4p16.2.
Variant type: single nucleotide variant.
Coding change: c.1384A>G on transcript NM_147127.5 (MANE Select); coding-DNA position 1384, A replaced by G.
Protein change: p.Thr462Ala; replaces threonine 462 with alanine.
Molecular consequence: missense variant.
Genome position (GRCh38, 1-based): chr4:5,640,600, T>C on the plus strand (A>G on the coding strand, the complement: EVC2 is on the minus strand). VCF-style: chr4-5640600-T-C. GRCh37 (hg19) VCF-style: chr4-5642327-T-C.
Other names: c.1144A>G, p.Thr382Ala (NM_001166136.2); short protein forms T462A, T382A.
Identifiers: ClinVar variation 235428 (VCV000235428.30), dbSNP rs73063795, ClinGen allele CA2835080.

ClinVar aggregate classification (germline): Benign/Likely benign. Review status: criteria provided, multiple submitters, no conflicts (2 of 4 stars). 9 submissions from 9 submitters: Benign (6); Likely benign (1). 2 of the submissions do not count toward it. Last evaluated 2026-05-11.

Conditions:
Curry-Hall syndrome (WAD). Also called: WEYERS ACRODENTAL DYSOSTOSIS. Identifiers: Orphanet 952, MedGen C0457013, MONDO:0008673, OMIM 193530.
Ellis-van Creveld syndrome (EVC). Also called: MESOECTODERMAL DYSPLASIA; Chondroectodermal dysplasia. Identifiers: Orphanet 289, MedGen C0013903, MONDO:0009162, OMIM 225500.

Allele frequency attached by ClinVar (database versions not stated): gnomAD 0.01151 and 0.01215; TOPMed 0.01295; gnomAD exomes 0.00199 and 0.00433; ExAC 0.00435; 1000 Genomes Project 30x 0.01077; ESP Exome Variant Server 0.01238; 1000 Genomes Project 0.00998.
gnomAD v4.1: 4,841 of 1,614,130 alleles (0.3%); highest among the groups gnomAD compares: African/African-American, 3.4%; 53 homozygotes.

Submissions (9):

Women's Health and Genetics/Laboratory Corporation of America, LabCorp
Classification: Likely benign. Last evaluated: 2026-05-11. Review status: criteria provided, single submitter. Criteria: LabCorp Variant Classification Summary - May 2015. Collection method: clinical testing. Allele origin: germline.

Labcorp Genetics (formerly Invitae), Labcorp
Classification: Benign for Curry-Hall syndrome; Ellis-van Creveld syndrome. Last evaluated: 2026-02-01. Review status: criteria provided, single submitter. Criteria: Invitae Variant Classification Sherloc (09022015). Collection method: clinical testing. Allele origin: germline.

ARUP Laboratories, Molecular Genetics and Genomics, ARUP Laboratories
Classification: Benign. Last evaluated: 2023-11-22. Review status: criteria provided, single submitter. Criteria: ARUP Molecular Germline Variant Investigation Process 2024. Collection method: clinical testing. Allele origin: germline.

Illumina Laboratory Services, Illumina
Classification: Benign for Ellis-van Creveld syndrome. Last evaluated: 2018-01-13. Review status: criteria provided, single submitter. Criteria: ICSL Variant Classification Criteria 13 December 2019. Collection method: clinical testing. Allele origin: germline.
Comment: This variant was observed in the ICSL laboratory as part of a predisposition screen in an ostensibly healthy population. It had not been previously curated by ICSL or reported in the Human Gene Mutation Database (HGMD: prior to June 1st, 2018), and was therefore a candidate for classification through an automated scoring system. Utilizing variant allele frequency, disease prevalence and penetrance estimates, and inheritance mode, an automated score was calculated to assess if this variant is too frequent to cause the disease. Based on the score and internal cut-off values, a variant classified as benign is not then subjected to further curation. The score for this variant resulted in a classification of benign for this disease.

GeneDx
Classification: Benign. Last evaluated: 2016-06-06. Review status: criteria provided, single submitter. Criteria: GeneDx Variant Classification (06012015). Collection method: clinical testing. Allele origin: germline. Affected: yes.
Comment: This variant is considered likely benign or benign based on one or more of the following criteria: it is a conservative change, it occurs at a poorly conserved position in the protein, it is predicted to be benign by multiple in silico algorithms, and/or has population frequency not consistent with disease.

Center for Pediatric Genomic Medicine, Children's Mercy Hospital and Clinics
Classification: Benign. Last evaluated: 2015-06-04. Review status: criteria provided, single submitter. Criteria: ACMG Guidelines, 2015. Collection method: clinical testing. Allele origin: germline.

Breakthrough Genomics
Classification: Benign. Review status: criteria provided, single submitter. Criteria: ACMG Guidelines, 2015. Collection method: not provided. Allele origin: germline. Inheritance: Autosomal recessive inheritance. Affected: yes.

Genome Diagnostics Laboratory, University Medical Center Utrecht
Classification: Benign. Review status: no assertion criteria provided. Collection method: clinical testing. Allele origin: germline. Affected: yes. Study: VKGL Data-share Consensus. Not counted in ClinVar's aggregate classification.

Laboratory of Diagnostic Genome Analysis, Leiden University Medical Center (LUMC)
Classification: Likely benign. Review status: no assertion criteria provided. Collection method: clinical testing. Allele origin: germline. Affected: yes. Study: VKGL Data-share Consensus. Not counted in ClinVar's aggregate classification.